The following is an entry in ClinVar:

NC_000001.10:g.(?_209961765)_(209965792_?)del

Gene: IRF6 (interferon regulatory factor 6; minus strand). Cytogenetic location: 1q32.2.
Variant type: Deletion.
Identifiers: ClinVar variation 2425515 (VCV002425515.5).

ClinVar aggregate classification (germline): Pathogenic (1 of 4 stars; one submission).

Conditions:
Van der Woude syndrome. Identifiers: Orphanet 888, MedGen C0175697, MONDO:0019508.
Orofacial cleft 6, susceptibility to (OFC6). Also called: CLEFT LIP WITH OR WITHOUT CLEFT PALATE, NONSYNDROMIC, 6. Identifiers: MedGen C1837213, MONDO:0012141, OMIM 608864.
Popliteal pterygium syndrome (PPS). Identifiers: Orphanet 294963, MedGen C0265259, MONDO:0017435.

Submission:

Labcorp Genetics (formerly Invitae), Labcorp
Classification: Pathogenic for Orofacial cleft 6, susceptibility to; Van der Woude syndrome; Popliteal pterygium syndrome. Last evaluated: 2022-07-06. Review status: criteria provided, single submitter. Criteria: Invitae Variant Classification Sherloc (09022015). Collection method: clinical testing. Allele origin: germline.
Comment: For these reasons, this variant has been classified as Pathogenic. This variant disrupts a region of the IRF6 protein in which other variant(s) (p.Arg412*) have been determined to be pathogenic (PMID: 12219090, 19282774, 19623037, 21468557, 23154523, 25784454). This suggests that this is a clinically significant region of the protein, and that variants that disrupt it are likely to be disease-causing. This variant has not been reported in the literature in individuals affected with IRF6-related conditions. This variant is a gross deletion of the genomic region encompassing exon(s) 6-9 of the IRF6 gene, which includes the termination codon. This deletion extends beyond the assayed region for this gene and therefore may encompass additional genes. While this deletion is not anticipated to lead to nonsense mediated decay, it is expected to alter mRNA translation or result in a truncated protein product.

Literature cited by the submitters: PubMed 12219090; PubMed 19282774; PubMed 19623037; PubMed 21468557; PubMed 23154523; PubMed 25784454.